The following is an entry in ClinVar:

NM_000256.3(MYBPC3):c.852-13T>G

Gene: MYBPC3 (myosin binding protein C3; minus strand). Cytogenetic location: 11p11.2.
Variant type: single nucleotide variant.
Coding change: c.852-13T>G on transcript NM_000256.3 (MANE Select); 13 bases into the intron before coding-DNA position 852, T replaced by G.
Molecular consequence: intron variant.
Genome position (GRCh38, 1-based): chr11:47,347,492, A>C on the plus strand (T>G on the coding strand, the complement: MYBPC3 is on the minus strand). VCF-style: chr11-47347492-A-C. GRCh37 (hg19) VCF-style: chr11-47369043-A-C.
Identifiers: ClinVar variation 2773762 (VCV002773762.2), dbSNP rs2495774180, ClinGen allele CA2697548553.

ClinVar aggregate classification (germline): Uncertain significance (1 of 4 stars; one submission).

Conditions:
Cardiomyopathy (CMYO). Also called: Cardiomyopathies. Identifiers: Orphanet 167848, MedGen C0878544, MONDO:0004994, HP:0001638. Inheritance: Various modes of inheritance.

Submission:

Color Diagnostics, LLC DBA Color Health
Classification: Uncertain significance for Cardiomyopathy. Last evaluated: 2022-12-05. Review status: criteria provided, single submitter. Criteria: ACMG Guidelines, 2015. Collection method: clinical testing. Allele origin: germline.
Comment: This variant causes a T to G nucleotide substitution at the -13 position of intron 8 of the MYBPC3 gene. Splice site prediction tools are inconclusive regarding the impact of this variant on RNA splicing. To our knowledge, functional studies have not been reported for this variant. This variant has not been reported in individuals affected with MYBPC3-related disorders in the literature. This variant has not been identified in the general population by the Genome Aggregation Database (gnomAD). The available evidence is insufficient to determine the role of this variant in disease conclusively. Therefore, this variant is classified as a Variant of Uncertain Significance.